The following is an entry in ClinVar:

ClinVar aggregate classification (germline): Uncertain significance (1 of 4 stars; one submission).

Conditions:
Ehlers-Danlos syndrome, musculocontractural type 2 (EDSMC2). Identifiers: Orphanet 2953, MedGen C3809845, MONDO:0014236, OMIM 615539.

gnomAD v4.1: 32 of 1,613,958 alleles (0.002%); highest among the groups gnomAD compares: South Asian, 0.035%; no homozygotes.

Submission:

Labcorp Genetics (formerly Invitae), Labcorp
Classification: Uncertain significance for Ehlers-Danlos syndrome, musculocontractural type 2. Last evaluated: 2020-07-12. Review status: criteria provided, single submitter. Criteria: Invitae Variant Classification Sherloc (09022015). Collection method: clinical testing. Allele origin: germline.
Comment: In summary, the available evidence is currently insufficient to determine the role of this variant in disease. Therefore, it has been classified as a Variant of Uncertain Significance. Algorithms developed to predict the effect of missense changes on protein structure and function output the following: SIFT: "Not Available"; PolyPhen-2: "Benign"; Align-GVGD: "Not Available". The tyrosine amino acid residue is found in multiple mammalian species, suggesting that this missense change does not adversely affect protein function. These predictions have not been confirmed by published functional studies and their clinical significance is uncertain. This variant has not been reported in the literature in individuals with DSE-related conditions. This variant is present in population databases (rs76186865, ExAC 0.05%). This sequence change replaces cysteine with tyrosine at codon 18 of the DSE protein (p.Cys18Tyr). The cysteine residue is moderately conserved and there is a large physicochemical difference between cysteine and tyrosine.

NM_013352.4(DSE):c.53G>A (p.Cys18Tyr)

Gene: DSE (dermatan sulfate epimerase; plus strand). Cytogenetic location: 6q22.1.
Variant type: single nucleotide variant.
Coding change: c.53G>A on transcript NM_013352.4 (MANE Select); coding-DNA position 53, G replaced by A.
Protein change: p.Cys18Tyr; replaces cysteine 18 with tyrosine.
Molecular consequence: missense variant. On other transcripts: 5 prime UTR variant (4), non-coding transcript variant (1).
Genome position (GRCh38, 1-based): chr6:116,399,303, G>A. VCF-style: chr6-116399303-G-A. GRCh37 (hg19) VCF-style: chr6-116720466-G-A.
Other names: c.53G>A, p.Cys18Tyr (NM_001080976.3, NM_001322937.2, NM_001322938.2 and 3 more transcripts); c.110G>A, p.Cys37Tyr (NM_001322939.2); c.-505G>A (NM_001322940.2, NM_001322941.2); c.-848G>A (NM_001374520.1); c.-535G>A (NM_001374521.1); short protein forms C18Y, C37Y.
Identifiers: ClinVar variation 1054354 (VCV001054354.7), dbSNP rs76186865, ClinGen allele CA3969445.